The following is an entry in ClinVar:

ClinVar aggregate classification (germline): Likely benign. Review status: criteria provided, multiple submitters, no conflicts (2 of 4 stars). 2 submissions from 2 submitters: Likely benign (2). Last evaluated 2025-05-05.

Submissions (2):

Women's Health and Genetics/Laboratory Corporation of America, LabCorp
Classification: Likely benign. Last evaluated: 2025-05-05. Review status: criteria provided, single submitter. Criteria: LabCorp Variant Classification Summary - May 2015. Collection method: clinical testing. Allele origin: germline.
Comment: Variant summary: MAGEL2 c.2586C>T alters a conserved nucleotide resulting in a synonymous change. Consensus agreement among computation tools predict no significant impact on normal splicing. However, these predictions have yet to be confirmed by functional studies. The variant allele was found at a frequency of 7.6e-05 in 248994 control chromosomes. This frequency is not significantly higher than estimated for a pathogenic variant in MAGEL2 causing Schaaf-Yang Syndrome, allowing no conclusion about variant significance. To our knowledge, no occurrence of c.2586C>T in individuals affected with Schaaf-Yang Syndrome and no experimental evidence demonstrating its impact on protein function have been reported. ClinVar contains an entry for this variant (Variation ID: 3712850). Based on the evidence outlined above, the variant was classified as likely benign.

Labcorp Genetics (formerly Invitae), Labcorp
Classification: Likely benign. Last evaluated: 2025-01-30. Review status: criteria provided, single submitter. Criteria: Invitae Variant Classification Sherloc (09022015). Collection method: clinical testing. Allele origin: germline.

NM_019066.5(MAGEL2):c.2586C>T (p.Pro862=)

Gene: MAGEL2 (MAGE family member L2; minus strand). Cytogenetic location: 15q11.2.
Variant type: single nucleotide variant.
Coding change: c.2586C>T on transcript NM_019066.5 (MANE Select); coding-DNA position 2586, C replaced by T.
Protein change: p.Pro862=; no amino-acid change (proline 862 retained).
Molecular consequence: synonymous variant.
Genome position (GRCh38, 1-based): chr15:23,645,157, G>A on the plus strand (C>T on the coding strand, the complement: MAGEL2 is on the minus strand). VCF-style: chr15-23645157-G-A. GRCh37 (hg19) VCF-style: chr15-23890304-G-A.
Identifiers: ClinVar variation 3712850 (VCV003712850.3).